The following is an entry in ClinVar:

ClinVar aggregate classification (germline): Uncertain significance (1 of 4 stars; one submission).

Conditions:
Gorlin syndrome. Also called: Nevoid Basal Cell Carcinoma Syndrome; Basal cell nevus syndrome. Identifiers: Orphanet 377, MedGen C0004779, MONDO:0007187.

Allele frequency attached by ClinVar (database versions not stated): ESP Exome Variant Server 0.00008.
gnomAD v4.1: 26 of 1,613,934 alleles (0.0016%); highest among the groups gnomAD compares: Non-Finnish European, 0.0021%; no homozygotes.

Submission:

Labcorp Genetics (formerly Invitae), Labcorp
Classification: Uncertain significance for Gorlin syndrome. Last evaluated: 2023-02-14. Review status: criteria provided, single submitter. Criteria: Invitae Variant Classification Sherloc (09022015). Collection method: clinical testing. Allele origin: germline.
Comment: This variant has not been reported in the literature in individuals affected with PTCH2-related conditions. In summary, the available evidence is currently insufficient to determine the role of this variant in disease. Therefore, it has been classified as a Variant of Uncertain Significance. Advanced modeling of protein sequence and biophysical properties (such as structural, functional, and spatial information, amino acid conservation, physicochemical variation, residue mobility, and thermodynamic stability) performed at Invitae indicates that this missense variant is not expected to disrupt PTCH2 protein function. This variant is present in population databases (rs377325413, gnomAD 0.004%). This sequence change replaces proline, which is neutral and non-polar, with leucine, which is neutral and non-polar, at codon 881 of the PTCH2 protein (p.Pro881Leu).

NM_003738.5(PTCH2):c.2642C>T (p.Pro881Leu)

Gene: PTCH2 (patched 2; minus strand). Cytogenetic location: 1p34.1.
Variant type: single nucleotide variant.
Coding change: c.2642C>T on transcript NM_003738.5 (MANE Select); coding-DNA position 2642, C replaced by T.
Protein change: p.Pro881Leu; replaces proline 881 with leucine.
Molecular consequence: missense variant.
Genome position (GRCh38, 1-based): chr1:44,826,955, G>A on the plus strand (C>T on the coding strand, the complement: PTCH2 is on the minus strand). VCF-style: chr1-44826955-G-A. GRCh37 (hg19) VCF-style: chr1-45292627-G-A.
Other names: c.2642C>T, p.Pro881Leu (NM_001166292.2); short protein forms P881L.
Identifiers: ClinVar variation 2698426 (VCV002698426.3), dbSNP rs377325413, ClinGen allele CA822947.